The following is an entry in ClinVar:

NC_000015.10:g.84817235C>A

Gene: ALPK3 (alpha kinase 3; plus strand). Cytogenetic location: 15q25.3.
Variant type: single nucleotide variant.
Genome position: GRCh38 VCF-style: chr15-84817235-C-A. GRCh37 (hg19) VCF-style: chr15-85360466-C-A.
Identifiers: ClinVar variation 3003306 (VCV003003306.4), dbSNP rs1567084823, ClinGen allele CA393368811.

ClinVar aggregate classification (germline): Uncertain significance. Review status: criteria provided, multiple submitters, no conflicts (2 of 4 stars). 2 submissions from 2 submitters: Uncertain significance (2). Last evaluated 2026-09-13.

Conditions:
Cardiovascular phenotype. Identifiers: MedGen CN230736.

Allele frequency attached by ClinVar (database versions not stated): TOPMed below 0.00001.

Submissions (2):

Ambry Genetics
Classification: Uncertain significance for Cardiovascular phenotype. Last evaluated: 2026-09-13. Review status: criteria provided, single submitter. Criteria: Ambry Variant Classification Scheme 2023. Collection method: clinical testing. Allele origin: germline.
Comment: The p.P130Q variant (also known as c.389C>A), located in coding exon 1 of the ALPK3 gene, results from a C to A substitution at nucleotide position 389. The proline at codon 130 is replaced by glutamine, an amino acid with similar properties. This amino acid position is conserved. In addition, this alteration is predicted to be tolerated by in silico analysis. Based on the available evidence, the clinical significance of this variant remains unclear.

Labcorp Genetics (formerly Invitae), Labcorp
Classification: Uncertain significance. Last evaluated: 2025-12-01. Review status: criteria provided, single submitter. Criteria: Invitae Variant Classification Sherloc (09022015). Collection method: clinical testing. Allele origin: germline.
Comment: This sequence change replaces proline, which is neutral and non-polar, with glutamine, which is neutral and polar, at codon 130 of the ALPK3 protein (p.Pro130Gln). This variant is not present in population databases (gnomAD no frequency). This variant has not been reported in the literature in individuals affected with ALPK3-related conditions. ClinVar contains an entry for this variant (Variation ID: 3003306). An algorithm developed to predict the effect of missense changes on protein structure and function (PolyPhen-2) suggests that this variant is likely to be tolerated. In summary, the available evidence is currently insufficient to determine the role of this variant in disease. Therefore, it has been classified as a Variant of Uncertain Significance.